The following is an entry in ClinVar:

ClinVar aggregate classification (germline): Conflicting classifications of pathogenicity. Review status: criteria provided, conflicting classifications (1 of 4 stars). 2 submissions from 2 submitters: Uncertain significance (1); Benign (1). Last evaluated 2022-06-01.

Conditions:
Landau-Kleffner syndrome (FESD). Also called: EPILEPSY, FOCAL, WITH SPEECH DISORDER AND WITH OR WITHOUT MENTAL RETARDATION; APHASIA, ACQUIRED, WITH EPILEPSY. Identifiers: Orphanet 1945, Orphanet 725, Orphanet 98818, MedGen C0282512, MONDO:0009509, OMIM 245570.

Allele frequency attached by ClinVar (database versions not stated): TOPMed 0.00001; gnomAD below 0.00001 and 0.00004; gnomAD exomes 0.00003; 1000 Genomes Project 30x 0.00016; 1000 Genomes Project 0.00020.
gnomAD v4.1: 8 of 229,318 alleles (0.0035%); highest among the groups gnomAD compares: South Asian, 0.13%; no homozygotes.

Submissions (2):

CeGaT Center for Human Genetics Tuebingen
Classification: Benign. Last evaluated: 2022-06-01. Review status: criteria provided, single submitter. Criteria: CeGaT Center For Human Genetics Tuebingen Variant Classification Criteria Version 2. Collection method: clinical testing. Allele origin: germline. Affected: yes. Observed: 1 variant allele.
Comment: GRIN2A: BS1, BS2

Illumina Laboratory Services, Illumina
Classification: Uncertain significance for Landau-Kleffner syndrome. Last evaluated: 2018-01-13. Review status: criteria provided, single submitter. Criteria: ICSL Variant Classification Criteria 13 December 2019. Collection method: clinical testing. Allele origin: germline.

NM_001134407.3(GRIN2A):c.*3341T>C

Gene: GRIN2A (glutamate ionotropic receptor NMDA type subunit 2A; minus strand). Cytogenetic location: 16p13.2.
Variant type: single nucleotide variant.
Coding change: c.*3341T>C on transcript NM_001134407.3 (MANE Select); 3341 bases downstream of the stop codon, T replaced by C.
Molecular consequence: 3 prime UTR variant.
Genome position (GRCh38, 1-based): chr16:9,759,808, A>G on the plus strand (T>C on the coding strand, the complement: GRIN2A is on the minus strand). VCF-style: chr16-9759808-A-G. GRCh37 (hg19) VCF-style: chr16-9853665-A-G.
Other names: c.*3341T>C (NM_000833.5); c.*3547T>C (NM_001134408.2).
Identifiers: ClinVar variation 321552 (VCV000321552.29), dbSNP rs576585646, ClinGen allele CA10648481.